The following is an entry in ClinVar:

ClinVar aggregate classification (germline): Pathogenic (1 of 4 stars; one submission).

gnomAD v4.1: 1 of 1,614,050 alleles (0.000062%); highest among the groups gnomAD compares: Non-Finnish European, 0.000085%; no homozygotes.

Submission:

Labcorp Genetics (formerly Invitae), Labcorp
Classification: Pathogenic. Last evaluated: 2021-11-15. Review status: criteria provided, single submitter. Criteria: Invitae Variant Classification Sherloc (09022015). Collection method: clinical testing. Allele origin: germline.
Comment: For these reasons, this variant has been classified as Pathogenic. Algorithms developed to predict the effect of sequence changes on RNA splicing suggest that this variant may create or strengthen a splice site. ClinVar contains an entry for this variant (Variation ID: 846375). This variant has not been reported in the literature in individuals affected with LAMC2-related conditions. This variant is not present in population databases (gnomAD no frequency). This sequence change creates a premature translational stop signal (p.Tyr748*) in the LAMC2 gene. It is expected to result in an absent or disrupted protein product. Loss-of-function variants in LAMC2 are known to be pathogenic (PMID: 11907499, 16473856).

Literature cited by the submitters: PubMed 11907499; PubMed 16473856.

NM_005562.3(LAMC2):c.2244C>G (p.Tyr748Ter)

Gene: LAMC2 (laminin subunit gamma 2; plus strand). Cytogenetic location: 1q25.3.
Variant type: single nucleotide variant.
Coding change: c.2244C>G on transcript NM_005562.3 (MANE Select); coding-DNA position 2244, C replaced by G.
Protein change: p.Tyr748Ter; replaces tyrosine 748 with a stop codon.
Molecular consequence: nonsense.
Genome position (GRCh38, 1-based): chr1:183,234,390, C>G. VCF-style: chr1-183234390-C-G. GRCh37 (hg19) VCF-style: chr1-183203525-C-G.
Other names: c.2244C>G, p.Tyr748Ter (NM_018891.3); short protein forms Y748*.
Identifiers: ClinVar variation 846375 (VCV000846375.7), dbSNP rs368391322, ClinGen allele CA343693708.